The following is an entry in ClinVar:

ClinVar aggregate classification (germline): Uncertain significance (1 of 4 stars; one submission).

gnomAD v4.1: 11 of 1,613,982 alleles (0.00068%); highest among the groups gnomAD compares: African/African-American, 0.0027%; no homozygotes.

Submission:

Labcorp Genetics (formerly Invitae), Labcorp
Classification: Uncertain significance. Last evaluated: 2025-06-27. Review status: criteria provided, single submitter. Criteria: Invitae Variant Classification Sherloc (09022015). Collection method: clinical testing. Allele origin: germline.
Comment: This sequence change replaces lysine, which is basic and polar, with arginine, which is basic and polar, at codon 409 of the RNF168 protein (p.Lys409Arg). This variant is present in population databases (rs373160074, gnomAD 0.002%). This variant has not been reported in the literature in individuals affected with RNF168-related conditions. An algorithm developed to predict the effect of missense changes on protein structure and function (PolyPhen-2) suggests that this variant is likely to be tolerated. In summary, the available evidence is currently insufficient to determine the role of this variant in disease. Therefore, it has been classified as a Variant of Uncertain Significance.

NM_152617.4(RNF168):c.1226A>G (p.Lys409Arg)

Gene: RNF168 (ring finger protein 168; minus strand). Cytogenetic location: 3q29.
Variant type: single nucleotide variant.
Coding change: c.1226A>G on transcript NM_152617.4 (MANE Select); coding-DNA position 1226, A replaced by G.
Protein change: p.Lys409Arg; replaces lysine 409 with arginine.
Molecular consequence: missense variant.
Genome position (GRCh38, 1-based): chr3:196,472,309, T>C on the plus strand (A>G on the coding strand, the complement: RNF168 is on the minus strand). VCF-style: chr3-196472309-T-C. GRCh37 (hg19) VCF-style: chr3-196199180-T-C.
Other names: short protein forms K409R.
Identifiers: ClinVar variation 4706492 (VCV004706492.1).